The following is an entry in ClinVar:

NM_001349798.2(FBXW7):c.257C>T (p.Ser86Leu)

Gene: FBXW7 (F-box and WD repeat domain containing 7; minus strand). Cytogenetic location: 4q31.3.
Variant type: single nucleotide variant.
Coding change: c.257C>T on transcript NM_001349798.2 (MANE Select); coding-DNA position 257, C replaced by T.
Protein change: p.Ser86Leu; replaces serine 86 with leucine.
Molecular consequence: missense variant.
Genome position (GRCh38, 1-based): chr4:152,411,547, G>A on the plus strand (C>T on the coding strand, the complement: FBXW7 is on the minus strand). VCF-style: chr4-152411547-G-A. GRCh37 (hg19) VCF-style: chr4-153332699-G-A.
Other names: c.257C>T, p.Ser86Leu (NM_001257069.1, NM_033632.3); short protein forms S86L.
Identifiers: ClinVar variation 3350352 (VCV003350352.5).

ClinVar aggregate classification (germline): Conflicting classifications of pathogenicity. Review status: criteria provided, conflicting classifications (1 of 4 stars). 4 submissions from 4 submitters: Uncertain significance (2); Likely benign (1). 1 of the submissions does not count toward it. Last evaluated 2026-08-06.

Conditions:
FBXW7-related disorder. Also called: FBXW7-related disorders; FBXW7-related condition.
Developmental delay, hypotonia, and impaired language (DEDHIL). Identifiers: MedGen C5774202, MONDO:0859280, OMIM 620012.

gnomAD v4.1: 62 of 1,613,644 alleles (0.0038%); highest among the groups gnomAD compares: East Asian, 0.047%; no homozygotes.

Submissions (4):

OLLIN Analises Genomicas, OLLIN
Classification: Uncertain significance for Developmental delay, hypotonia, and impaired language. Last evaluated: 2026-08-06. Review status: criteria provided, single submitter. Criteria: ACMG Guidelines 2015 PMID 25741868. Collection method: clinical testing. Allele origin: germline. Inheritance: Autosomal dominant inheritance.
Comment: This missense variant, located in exon 4 (of 14), has been reported in ClinVar (accession VCV003350352.3) and in gnomAD with an allele frequency of 0.0038%. However, to our knowledge, it has not been reported in the scientific literature. In silico analysis predicts that this variant has a tolerated effect. This gene is constrained for missense variation. According to the currently available evidence, this variant has been classified as uncertain significance (PP2, BP4_M).

CeGaT Center for Human Genetics Tuebingen
Classification: Likely benign. Last evaluated: 2026-06-01. Review status: criteria provided, single submitter. Criteria: CeGaT Center For Human Genetics Tuebingen Variant Classification Criteria Version 2. Collection method: clinical testing. Allele origin: germline. Affected: yes. Observed: 1 variant allele.
Comment: FBXW7: BP4

Labcorp Genetics (formerly Invitae), Labcorp
Classification: Uncertain significance. Last evaluated: 2025-08-24. Review status: criteria provided, single submitter. Criteria: Invitae Variant Classification Sherloc (09022015). Collection method: clinical testing. Allele origin: germline.
Comment: This sequence change replaces serine, which is neutral and polar, with leucine, which is neutral and non-polar, at codon 86 of the FBXW7 protein (p.Ser86Leu). This variant is present in population databases (rs780061054, gnomAD 0.07%), and has an allele count higher than expected for a pathogenic variant. This variant has not been reported in the literature in individuals affected with FBXW7-related conditions. ClinVar contains an entry for this variant (Variation ID: 3350352). Experimental studies and prediction algorithms are not available or were not evaluated, and the functional significance of this variant is currently unknown. In summary, the available evidence is currently insufficient to determine the role of this variant in disease. Therefore, it has been classified as a Variant of Uncertain Significance.

PreventionGenetics, part of Exact Sciences
Classification: Likely benign for FBXW7-related condition. Last evaluated: 2024-06-14. Review status: no assertion criteria provided. Collection method: clinical testing. Allele origin: germline. Not counted in ClinVar's aggregate classification.
Comment: This variant is classified as likely benign based on ACMG/AMP sequence variant interpretation guidelines (Richards et al. 2015 PMID: 25741868, with internal and published modifications).